The following is an entry in ClinVar:

NM_001853.4(COL9A3):c.1712T>A (p.Ile571Asn)

Gene: COL9A3 (collagen type IX alpha 3 chain; plus strand). Cytogenetic location: 20q13.33.
Variant type: single nucleotide variant.
Coding change: c.1712T>A on transcript NM_001853.4 (MANE Select); coding-DNA position 1712, T replaced by A.
Protein change: p.Ile571Asn; replaces isoleucine 571 with asparagine.
Molecular consequence: missense variant.
Genome position (GRCh38, 1-based): chr20:62,837,191, T>A. VCF-style: chr20-62837191-T-A. GRCh37 (hg19) VCF-style: chr20-61468543-T-A.
Other names: short protein forms I571N.
Identifiers: ClinVar variation 3703659 (VCV003703659.2).

ClinVar aggregate classification (germline): Uncertain significance (1 of 4 stars; one submission).

gnomAD v4.1: 1 of 1,612,634 alleles (0.000062%); highest among the groups gnomAD compares: Admixed American, 0.0017%; no homozygotes.

Submission:

Labcorp Genetics (formerly Invitae), Labcorp
Classification: Uncertain significance. Last evaluated: 2025-10-26. Review status: criteria provided, single submitter. Criteria: Invitae Variant Classification Sherloc (09022015). Collection method: clinical testing. Allele origin: germline.
Comment: This sequence change replaces isoleucine, which is neutral and non-polar, with asparagine, which is neutral and polar, at codon 571 of the COL9A3 protein (p.Ile571Asn). This variant is present in population databases (rs776019119, gnomAD 0.003%). This variant has not been reported in the literature in individuals affected with COL9A3-related conditions. ClinVar contains an entry for this variant (Variation ID: 3703659). Invitae Evidence Modeling of protein sequence and biophysical properties (such as structural, functional, and spatial information, amino acid conservation, physicochemical variation, residue mobility, and thermodynamic stability) indicates that this missense variant is not expected to disrupt COL9A3 protein function with a negative predictive value of 95%. In summary, the available evidence is currently insufficient to determine the role of this variant in disease. Therefore, it has been classified as a Variant of Uncertain Significance.